The following is an entry in ClinVar:

NM_005633.4(SOS1):c.*1303C>A

Gene: SOS1 (SOS Ras/Rac guanine nucleotide exchange factor 1; minus strand). Cytogenetic location: 2p22.1.
Variant type: single nucleotide variant.
Coding change: c.*1303C>A on transcript NM_005633.4 (MANE Select); 1303 bases downstream of the stop codon, C replaced by A.
Molecular consequence: 3 prime UTR variant.
Genome position (GRCh38, 1-based): chr2:38,984,521, G>T on the plus strand (C>A on the coding strand, the complement: SOS1 is on the minus strand). VCF-style: chr2-38984521-G-T. GRCh37 (hg19) VCF-style: chr2-39211662-G-T.
Other names: c.*1303C>A (NM_001382394.1, NM_001382395.1).
Identifiers: ClinVar variation 335998 (VCV000335998.30), dbSNP rs115153488, ClinGen allele CA10613332.

ClinVar aggregate classification (germline): Conflicting classifications of pathogenicity. Review status: criteria provided, conflicting classifications (1 of 4 stars). 4 submissions from 3 submitters: Uncertain significance (3); Benign (1). Last evaluated 2023-06-01.

Conditions:
Noonan syndrome 4 (NS4). Also called: SOS1-Related Noonan Syndrome; NOONAN SYNDROME WITH PIGMENTED VILLONODULAR SYNOVITIS. Identifiers: Orphanet 648, MedGen C1853120, MONDO:0012547, OMIM 610733.
Fibromatosis, gingival, 1 (GINGF1). Identifiers: Orphanet 2024, MedGen C4551558, MONDO:0007609, OMIM 135300.

Allele frequency attached by ClinVar (database versions not stated): 1000 Genomes Project 0.00040; 1000 Genomes Project 30x 0.00094; gnomAD 0.00300 and 0.00308; TOPMed 0.00344.

Submissions (4):

CeGaT Center for Human Genetics Tuebingen
Classification: Benign. Last evaluated: 2023-06-01. Review status: criteria provided, single submitter. Criteria: CeGaT Center For Human Genetics Tuebingen Variant Classification Criteria Version 2. Collection method: clinical testing. Allele origin: germline. Affected: yes. Observed: 8 variant alleles.
Comment: SOS1: BS1, BS2

Fulgent Genetics
Classification: Uncertain significance for Fibromatosis, gingival, 1; Noonan syndrome 4. Last evaluated: 2021-08-03. Review status: criteria provided, single submitter. Criteria: ACMG Guidelines, 2015. Collection method: clinical testing. Allele origin: unknown.

Illumina Laboratory Services, Illumina
Classification: Uncertain significance for Noonan syndrome 4. Last evaluated: 2018-01-13. Review status: criteria provided, single submitter. Criteria: ICSL Variant Classification Criteria 13 December 2019. Collection method: clinical testing. Allele origin: germline.

Illumina Laboratory Services, Illumina
Classification: Uncertain significance for Fibromatosis, gingival, 1. Last evaluated: 2018-01-13. Review status: criteria provided, single submitter. Criteria: ICSL Variant Classification Criteria 13 December 2019. Collection method: clinical testing. Allele origin: germline.